The following is an entry in ClinVar:

NM_152468.5(TMC8):c.1589C>T (p.Ser530Phe)

Gene: TMC8 (transmembrane channel like 8; plus strand). Cytogenetic location: 17q25.3.
Variant type: single nucleotide variant.
Coding change: c.1589C>T on transcript NM_152468.5 (MANE Select); coding-DNA position 1589, C replaced by T.
Protein change: p.Ser530Phe; replaces serine 530 with phenylalanine.
Molecular consequence: missense variant.
Genome position (GRCh38, 1-based): chr17:78,138,404, C>T. VCF-style: chr17-78138404-C-T. GRCh37 (hg19) VCF-style: chr17-76134485-C-T.
Other names: short protein forms S530F.
Identifiers: ClinVar variation 1000471 (VCV001000471.7), dbSNP rs201607836, ClinGen allele CA8796932.

ClinVar aggregate classification (germline): Uncertain significance (1 of 4 stars; one submission).

Conditions:
Epidermodysplasia verruciformis. Identifiers: Orphanet 302, MedGen C0014522, MONDO:0009176.

Allele frequency attached by ClinVar (database versions not stated): gnomAD 0.00001 and 0.00003; ExAC 0.00002; TOPMed 0.00002; 1000 Genomes Project 30x 0.00016; 1000 Genomes Project 0.00020.
gnomAD v4.1: 78 of 1,612,624 alleles (0.0048%); highest among the groups gnomAD compares: Non-Finnish European, 0.0065%; no homozygotes.

Submission:

Labcorp Genetics (formerly Invitae), Labcorp
Classification: Uncertain significance for Epidermodysplasia verruciformis. Last evaluated: 2020-01-13. Review status: criteria provided, single submitter. Criteria: Invitae Variant Classification Sherloc (09022015). Collection method: clinical testing. Allele origin: germline.
Comment: In summary, the available evidence is currently insufficient to determine the role of this variant in disease. Therefore, it has been classified as a Variant of Uncertain Significance. Algorithms developed to predict the effect of missense changes on protein structure and function are either unavailable or do not agree on the potential impact of this missense change (SIFT: "Deleterious"; PolyPhen-2: "Possibly Damaging"; Align-GVGD: "Class C0"). This variant has not been reported in the literature in individuals with TMC8-related conditions. This variant is present in population databases (rs201607836, ExAC 0.003%). This sequence change replaces serine with phenylalanine at codon 530 of the TMC8 protein (p.Ser530Phe). The serine residue is highly conserved and there is a large physicochemical difference between serine and phenylalanine.